The following is an entry in ClinVar:

ClinVar aggregate classification (germline): Uncertain significance. Review status: criteria provided, multiple submitters, no conflicts (2 of 4 stars). 2 submissions from 2 submitters: Uncertain significance (2). Last evaluated 2025-08-22.

Conditions:
Hereditary cancer-predisposing syndrome. Also called: Hereditary neoplastic syndrome; Neoplastic Syndromes, Hereditary; Tumor predisposition; Hereditary Cancer Syndrome. Identifiers: Orphanet 140162, MedGen C0027672, MeSH D009386, MONDO:0015356.
Microcephaly, normal intelligence and immunodeficiency (NBS). Also called: IMMUNODEFICIENCY, MICROCEPHALY, AND CHROMOSOMAL INSTABILITY; SEEMANOVA SYNDROME II; Nijmegen breakage syndrome; Microcephaly with normal intelligence immunodeficiency and lymphoreticular malignancies; Nonsyndromal microcephaly autosomal recessive with normal intelligence; Seemanova syndrome 2. Identifiers: Orphanet 647, MedGen C0398791, MONDO:0009623, OMIM 251260.

Allele frequency attached by ClinVar (database versions not stated): gnomAD exomes below 0.00001.
gnomAD v4.1: 1 of 1,606,740 alleles (0.000062%); highest among the groups gnomAD compares: African/African-American, 0.0013%; no homozygotes.

Submissions (2):

Ambry Genetics
Classification: Uncertain significance for Hereditary cancer-predisposing syndrome. Last evaluated: 2025-08-22. Review status: criteria provided, single submitter. Criteria: Ambry Variant Classification Scheme 2023. Collection method: clinical testing. Allele origin: germline.
Comment: The p.K187Q variant (also known as c.559A>C), located in coding exon 5 of the NBN gene, results from an A to C substitution at nucleotide position 559. The lysine at codon 187 is replaced by glutamine, an amino acid with similar properties. This amino acid position is conserved. In addition, this alteration is predicted to be tolerated by in silico analysis. Based on the available evidence, the clinical significance of this variant remains unclear.

Labcorp Genetics (formerly Invitae), Labcorp
Classification: Uncertain significance for Microcephaly, normal intelligence and immunodeficiency. Last evaluated: 2021-06-15. Review status: criteria provided, single submitter. Criteria: Invitae Variant Classification Sherloc (09022015). Collection method: clinical testing. Allele origin: germline.
Comment: In summary, this variant is a novel missense change with uncertain impact on protein function. It has been classified as a Variant of Uncertain Significance. Algorithms developed to predict the effect of missense changes on protein structure and function do not agree on the potential impact of this missense change (SIFT: "Deleterious"; PolyPhen-2: "Benign"; Align-GVGD: "Class C0"). This variant is not present in population databases (ExAC no frequency) and has not been reported in the literature in individuals with an NBN-related disease. This sequence change replaces lysine with glutamine at codon 187 of the NBN protein (p.Lys187Gln). The lysine residue is highly conserved and there is a small physicochemical difference between lysine and glutamine.

NM_002485.5(NBN):c.559A>C (p.Lys187Gln)

Gene: NBN (nibrin; minus strand). Cytogenetic location: 8q21.3.
Variant type: single nucleotide variant.
Coding change: c.559A>C on transcript NM_002485.5 (MANE Select); coding-DNA position 559, A replaced by C.
Protein change: p.Lys187Gln; replaces lysine 187 with glutamine.
Molecular consequence: missense variant.
Genome position (GRCh38, 1-based): chr8:89,978,245, T>G on the plus strand (A>C on the coding strand, the complement: NBN is on the minus strand). VCF-style: chr8-89978245-T-G. GRCh37 (hg19) VCF-style: chr8-90990473-T-G.
Other names: c.313A>C, p.Lys105Gln (NM_001024688.3); short protein forms K187Q, K105Q.
Identifiers: ClinVar variation 461574 (VCV000461574.9), dbSNP rs1554566633, ClinGen allele CA371660179.